The following is an entry in ClinVar:

NM_000222.3(KIT):c.406T>C (p.Cys136Arg)

Gene: KIT (KIT proto-oncogene, receptor tyrosine kinase; plus strand). Cytogenetic location: 4q12.
Variant type: single nucleotide variant.
Coding change: c.406T>C on transcript NM_000222.3 (MANE Select); coding-DNA position 406, T replaced by C.
Protein change: p.Cys136Arg; replaces cysteine 136 with arginine.
Molecular consequence: missense variant.
Genome position (GRCh38, 1-based): chr4:54,698,352, T>C. VCF-style: chr4-54698352-T-C. GRCh37 (hg19) VCF-style: chr4-55564518-T-C.
Other names: c.406T>C, p.Cys136Arg (NM_001093772.2, NM_001385284.1, NM_001385285.1 and 4 more transcripts); short protein forms C136R.
Identifiers: ClinVar variation 1010349 (VCV001010349.19), dbSNP rs1720223149, ClinGen allele CA356897517.

ClinVar aggregate classification (germline): Conflicting classifications of pathogenicity. Review status: criteria provided, conflicting classifications (1 of 4 stars). 5 submissions from 5 submitters: Likely pathogenic (3); Uncertain significance (1); Likely benign (1). Last evaluated 2026-10-16.

Conditions:
Gastrointestinal stromal tumor. Also called: Gastrointestinal stromal tumor, somatic; Gastrointestinal stroma tumor. Identifiers: Orphanet 44890, MedGen C0238198, MeSH D046152, MONDO:0011719, OMIM 606764, HP:0100723.
Hereditary cancer-predisposing syndrome. Also called: Hereditary Cancer Syndrome; Hereditary neoplastic syndrome; Tumor predisposition; Neoplastic Syndromes, Hereditary. Identifiers: Orphanet 140162, MedGen C0027672, MeSH D009386, MONDO:0015356.
KIT-related disorder. Also called: KIT-related condition.

Allele frequency attached by ClinVar (database versions not stated): gnomAD exomes 0.00001.
gnomAD v4.1: 4 of 1,614,204 alleles (0.00025%); highest among the groups gnomAD compares: African/African-American, 0.0013%; no homozygotes.

Submissions (5):

GeneDx
Classification: Likely pathogenic. Last evaluated: 2026-10-16. Review status: criteria provided, single submitter. Criteria: GeneDx Variant Classification Process June 2021. Collection method: clinical testing. Allele origin: germline.
Comment: Not observed at significant frequency in large population cohorts (gnomAD); In silico analysis supports that this missense variant has a deleterious effect on protein structure/function; This variant is associated with the following publications: (PMID: 17662946, 23944364, 15737214, 32220041, 1720553, 8875953)

Ambry Genetics
Classification: Likely benign for Hereditary cancer-predisposing syndrome. Last evaluated: 2026-03-23. Review status: criteria provided, single submitter. Criteria: Ambry Variant Classification Scheme 2023. Collection method: clinical testing. Allele origin: germline.

Labcorp Genetics (formerly Invitae), Labcorp
Classification: Likely pathogenic for Gastrointestinal stromal tumor. Last evaluated: 2025-09-02. Review status: criteria provided, single submitter. Criteria: Invitae Variant Classification Sherloc (09022015). Collection method: clinical testing. Allele origin: germline.
Comment: This sequence change replaces cysteine, which is neutral and slightly polar, with arginine, which is basic and polar, at codon 136 of the KIT protein (p.Cys136Arg). This variant is not present in population databases (gnomAD no frequency). This missense change has been observed in individuals with clinical features of piebaldism (PMID: 8875953; internal data). ClinVar contains an entry for this variant (Variation ID: 1010349). An algorithm developed to predict the effect of missense changes on protein structure and function (PolyPhen-2) suggests that this variant is likely to be disruptive. In summary, the currently available evidence indicates that the variant is pathogenic, but additional data are needed to prove that conclusively. Therefore, this variant has been classified as Likely Pathogenic.

Baylor Genetics
Classification: Uncertain significance for Gastrointestinal stromal tumor. Last evaluated: 2023-08-20. Review status: criteria provided, single submitter. Criteria: ACMG Guidelines, 2015. Collection method: clinical testing. Allele origin: unknown.

Blueprint Genetics
Classification: Likely pathogenic for KIT-related disorders. Last evaluated: 2020-09-17. Review status: criteria provided, single submitter. Criteria: ACMG Guidelines, 2015. Collection method: clinical testing. Allele origin: germline. Affected: yes. Observed: 1 variant allele.

Literature cited by the submitters: PubMed 15737214 (cited by Ambry Genetics); PubMed 8875953 (cited by Ambry Genetics and Labcorp Genetics (formerly Invitae), Labcorp).